The following is an entry in ClinVar:

ClinVar aggregate classification (germline): Uncertain significance (1 of 4 stars; one submission).

Allele frequency attached by ClinVar (database versions not stated): 1000 Genomes Project 30x 0.00031; 1000 Genomes Project 0.00040.

Submission:

Ambry Genetics
Classification: Uncertain significance. Last evaluated: 2022-12-26. Review status: criteria provided, single submitter. Criteria: Ambry Variant Classification Scheme 2023. Collection method: clinical testing. Allele origin: germline.
Comment: The p.A268T variant (also known as c.802G>A), located in coding exon 1 of the EGLN2 gene, results from a G to A substitution at nucleotide position 802. The alanine at codon 268 is replaced by threonine, an amino acid with similar properties. This amino acid position is conserved. In addition, the in silico prediction for this alteration is inconclusive. Since supporting evidence is limited at this time, the clinical significance of this alteration remains unclear.

NM_080732.4(EGLN2):c.802G>A (p.Ala268Thr)

Genes: EGLN2 (egl-9 family hypoxia inducible factor 2; plus strand), RAB4B-EGLN2 (RAB4B-EGLN2 readthrough (NMD candidate); plus strand). Cytogenetic location: 19q13.2.
Variant type: single nucleotide variant.
Coding change: c.802G>A on transcript NM_080732.4 (MANE Select); coding-DNA position 802, G replaced by A.
Protein change: p.Ala268Thr; replaces alanine 268 with threonine.
Molecular consequence: missense variant. On other transcripts: non-coding transcript variant (1).
Genome position (GRCh38, 1-based): chr19:40,801,374, G>A. VCF-style: chr19-40801374-G-A. GRCh37 (hg19) VCF-style: chr19-41307279-G-A.
Other names: c.802G>A, p.Ala268Thr (NM_053046.4); short protein forms A268T.
Identifiers: ClinVar variation 2451269 (VCV002451269.2), dbSNP rs540824311, ClinGen allele CA9452310.